The following is an entry in ClinVar:

ClinVar aggregate classification (germline): Likely benign. Review status: criteria provided, multiple submitters, no conflicts (2 of 4 stars). 2 submissions from 2 submitters: Likely benign (2). Last evaluated 2025-11-05.

Conditions:
ALPK1-related disorder. Also called: ALPK1-related condition.

Allele frequency attached by ClinVar (database versions not stated): gnomAD exomes 0.00009; TOPMed 0.00018; ExAC 0.00026.
gnomAD v4.1: 158 of 1,612,638 alleles (0.0098%); highest among the groups gnomAD compares: East Asian, 0.17%; no homozygotes.

Submissions (2):

Labcorp Genetics (formerly Invitae), Labcorp
Classification: Likely benign. Last evaluated: 2025-11-05. Review status: criteria provided, single submitter. Criteria: Invitae Variant Classification Sherloc (09022015). Collection method: clinical testing. Allele origin: germline.

PreventionGenetics, part of Exact Sciences
Classification: Likely benign for ALPK1-related condition. Last evaluated: 2025-05-22. Review status: criteria provided, single submitter. Criteria: ACMG Guidelines, 2015. Collection method: clinical testing. Allele origin: germline.
Comment: This variant is classified as likely benign based on ACMG/AMP sequence variant interpretation guidelines (Richards et al. 2015 PMID: 25741868, with internal and published modifications).

NM_025144.4(ALPK1):c.875C>T (p.Thr292Met)

Gene: ALPK1 (alpha kinase 1; plus strand). Cytogenetic location: 4q25.
Variant type: single nucleotide variant.
Coding change: c.875C>T on transcript NM_025144.4 (MANE Select); coding-DNA position 875, C replaced by T.
Protein change: p.Thr292Met; replaces threonine 292 with methionine.
Molecular consequence: missense variant.
Genome position (GRCh38, 1-based): chr4:112,429,228, C>T. VCF-style: chr4-112429228-C-T. GRCh37 (hg19) VCF-style: chr4-113350384-C-T.
Other names: c.875C>T (NM_001102406.1); c.875C>T, p.Thr292Met (NM_001102406.2); c.641C>T, p.Thr214Met (NM_001253884.2); short protein forms T214M, T292M.
Identifiers: ClinVar variation 2071550 (VCV002071550.5), dbSNP rs34120296, ClinGen allele CA3046587.
Genomic context (GRCh38, chr4:112,429,228, plus strand): 5'-ACCACCATTTGCTGTCCGCTGCAGAAGCCTGCAAGCTGGCAGCTGCCTTCAGTGCCTATA[C>T]GCCGCTCTTCGTGCTCACAGCTGTGGTAAACGAATGCAGCCGCTCCTCAAACCCCCACAG-3'
Protein context (NP_079420.3, residues 282-302): CKLAAAFSAY[Thr292Met]PLFVLTAVNI